The following is an entry in ClinVar:

NM_000350.3(ABCA4):c.6787C>G (p.Arg2263Gly)

Gene: ABCA4 (ATP binding cassette subfamily A member 4; minus strand). Cytogenetic location: 1p22.1.
Variant type: single nucleotide variant.
Coding change: c.6787C>G on transcript NM_000350.3 (MANE Select); coding-DNA position 6787, C replaced by G.
Protein change: p.Arg2263Gly; replaces arginine 2263 with glycine.
Molecular consequence: missense variant.
Genome position (GRCh38, 1-based): chr1:93,996,138, G>C on the plus strand (C>G on the coding strand, the complement: ABCA4 is on the minus strand). VCF-style: chr1-93996138-G-C. GRCh37 (hg19) VCF-style: chr1-94461694-G-C.
Other names: c.6565C>G, p.Arg2189Gly (NM_001425324.1); short protein forms R2189G, R2263G.
Identifiers: ClinVar variation 2693339 (VCV002693339.3), dbSNP rs998363634, ClinGen allele CA341275718.

ClinVar aggregate classification (germline): Likely pathogenic (1 of 4 stars; one submission).

Submission:

Labcorp Genetics (formerly Invitae), Labcorp
Classification: Likely pathogenic. Last evaluated: 2023-11-04. Review status: criteria provided, single submitter. Criteria: Invitae Variant Classification Sherloc (09022015). Collection method: clinical testing. Allele origin: germline.
Comment: This sequence change replaces arginine, which is basic and polar, with glycine, which is neutral and non-polar, at codon 2263 of the ABCA4 protein (p.Arg2263Gly). This variant is not present in population databases (gnomAD no frequency). This variant has not been reported in the literature in individuals affected with ABCA4-related conditions. Advanced modeling of protein sequence and biophysical properties (such as structural, functional, and spatial information, amino acid conservation, physicochemical variation, residue mobility, and thermodynamic stability) performed at Invitae indicates that this missense variant is expected to disrupt ABCA4 protein function with a positive predictive value of 95%. This variant disrupts the p.Arg2263 amino acid residue in ABCA4. Other variant(s) that disrupt this residue have been determined to be pathogenic (PMID: 33988224). This suggests that this residue is clinically significant, and that variants that disrupt this residue are likely to be disease-causing. In summary, the currently available evidence indicates that the variant is pathogenic, but additional data are needed to prove that conclusively. Therefore, this variant has been classified as Likely Pathogenic.

Literature cited by the submitters: PubMed 33988224.